The following is an entry in ClinVar:

NM_001972.4(ELANE):c.380CCA[1] (p.Thr128del)

Gene: ELANE (elastase, neutrophil expressed; plus strand). Cytogenetic location: 19p13.3.
Variant type: Microsatellite.
Coding change: c.380CCA[1] on transcript NM_001972.4 (MANE Select); one copy of the 3-base unit CCA starting at c.380; the reference has two copies in a row; one copy, 3 bases deleted.
Protein change: p.Thr128del; deletes threonine 128.
Molecular consequence: inframe deletion.
Genome position (GRCh38, 1-based): chr19:855,580-855,582, CCA deleted; deleting any 3 consecutive bases within chr19:855,577-855,582 gives the same sequence; the position shown is the placement nearest the transcript's 3' end. VCF-style (leftmost placement, unchanged base first): chr19-855576-GCCA-G. GRCh37 (hg19) VCF-style: chr19-855576-GCCA-G.
Other names: short protein forms T128del.
Identifiers: ClinVar variation 646593 (VCV000646593.11), dbSNP rs1599293834, ClinGen allele CA915951612.
Genomic context (GRCh38, chr19:855,576, plus strand): 5'-CATCACTGCCCCGTGTGACGCGCTGACGATCTGTCCCCACCGCCACAGCTCAACGGGTCG[GCCA>G]CCATCAACGCCAACGTGCAGGTGGCCCAGCTGCCGGCTCAGGGACGCCGCCTGGGCAACG-3'

ClinVar aggregate classification (germline): Uncertain significance (1 of 4 stars; one submission).

Conditions:
Neutropenia, severe congenital, 1, autosomal dominant. Identifiers: MedGen C1859966, MONDO:0042490, OMIM 202700.
Cyclical neutropenia. Also called: Cyclic hematopoiesis; Cyclic Neutropenia. Identifiers: Orphanet 2686, MedGen C0221023, MONDO:0008090, OMIM 162800, HP:0040289. Disease mechanism: loss of function.

Submission:

Labcorp Genetics (formerly Invitae), Labcorp
Classification: Uncertain significance for Neutropenia, severe congenital, 1, autosomal dominant; Cyclical neutropenia. Last evaluated: 2018-09-10. Review status: criteria provided, single submitter. Criteria: Invitae Variant Classification Sherloc (09022015). Collection method: clinical testing. Allele origin: germline.
Comment: In summary, the available evidence is currently insufficient to determine the role of this variant in disease. Therefore, it has been classified as a Variant of Uncertain Significance. Experimental studies and prediction algorithms are not available for this variant, and the functional significance of the affected amino acid(s) is currently unknown. This variant has been observed in individuals with congenital neutropenia (PMID: 18611981, 23463630, 19775295). This variant is also referred to as 380-382del and T99del in the literature. This variant is not present in population databases (ExAC no frequency). This variant, c.383_385delCCA, results in the deletion of 1 amino acid of the ELANE protein (p.Thr128del), but otherwise preserves the integrity of the reading frame.

Literature cited by the submitters: PubMed 18611981; PubMed 23463630; PubMed 19775295.